The following is an entry in ClinVar:

NM_177438.3(DICER1):c.3495C>G (p.His1165Gln)

Gene: DICER1 (dicer 1, ribonuclease III; minus strand). Cytogenetic location: 14q32.13.
Variant type: single nucleotide variant.
Coding change: c.3495C>G on transcript NM_177438.3 (MANE Select); coding-DNA position 3495, C replaced by G.
Protein change: p.His1165Gln; replaces histidine 1165 with glutamine.
Molecular consequence: missense variant.
Genome position (GRCh38, 1-based): chr14:95,103,901, G>C on the plus strand (C>G on the coding strand, the complement: DICER1 is on the minus strand). VCF-style: chr14-95103901-G-C. GRCh37 (hg19) VCF-style: chr14-95570238-G-C.
Other names: c.3495C>G, p.His1165Gln (NM_001291628.2, NM_030621.4, NM_001195573.1 and 1 more transcripts); c.3495C>G (NM_177438.2); short protein forms H1165Q.
Identifiers: ClinVar variation 1007044 (VCV001007044.10), dbSNP rs372581591, ClinGen allele CA390875186.

ClinVar aggregate classification (germline): Conflicting classifications of pathogenicity. Review status: criteria provided, conflicting classifications (1 of 4 stars). 2 submissions from 2 submitters: Uncertain significance (1); Likely benign (1). Last evaluated 2025-08-13.

Conditions:
Hereditary cancer-predisposing syndrome. Also called: Hereditary neoplastic syndrome; Neoplastic Syndromes, Hereditary; Tumor predisposition; Hereditary Cancer Syndrome. Identifiers: Orphanet 140162, MedGen C0027672, MeSH D009386, MONDO:0015356.
DICER1-related tumor predisposition. Also called: DICER1 syndrome; DICER1-related pleuropulmonary blastoma cancer predisposition syndrome. Identifiers: Orphanet 284343, MedGen C3839822, MONDO:0100216.

gnomAD v4.1: 1 of 1,614,146 alleles (0.000062%); highest among the groups gnomAD compares: East Asian, 0.0022%; no homozygotes.

Submissions (2):

Labcorp Genetics (formerly Invitae), Labcorp
Classification: Uncertain significance for DICER1-related tumor predisposition. Last evaluated: 2025-08-13. Review status: criteria provided, single submitter. Criteria: Invitae Variant Classification Sherloc (09022015). Collection method: clinical testing. Allele origin: germline.
Comment: This sequence change replaces histidine, which is basic and polar, with glutamine, which is neutral and polar, at codon 1165 of the DICER1 protein (p.His1165Gln). This variant is present in population databases (no rsID available, gnomAD 0.006%). This variant has not been reported in the literature in individuals affected with DICER1-related conditions. ClinVar contains an entry for this variant (Variation ID: 1007044). Invitae Evidence Modeling of protein sequence and biophysical properties (such as structural, functional, and spatial information, amino acid conservation, physicochemical variation, residue mobility, and thermodynamic stability) indicates that this missense variant is not expected to disrupt DICER1 protein function with a negative predictive value of 95%. In summary, the available evidence is currently insufficient to determine the role of this variant in disease. Therefore, it has been classified as a Variant of Uncertain Significance.

Ambry Genetics
Classification: Likely benign for Hereditary cancer-predisposing syndrome. Last evaluated: 2023-03-09. Review status: criteria provided, single submitter. Criteria: Ambry Variant Classification Scheme 2023. Collection method: clinical testing. Allele origin: germline.